The following is an entry in ClinVar:

ClinVar aggregate classification (germline): Uncertain significance (1 of 4 stars; one submission).

Allele frequency attached by ClinVar (database versions not stated): gnomAD exomes below 0.00001.
gnomAD v4.1: 3 of 1,598,990 alleles (0.00019%); highest among the groups gnomAD compares: Non-Finnish European, 0.00026%; no homozygotes.

Submission:

Labcorp Genetics (formerly Invitae), Labcorp
Classification: Uncertain significance. Last evaluated: 2022-11-22. Review status: criteria provided, single submitter. Criteria: Invitae Variant Classification Sherloc (09022015). Collection method: clinical testing. Allele origin: germline.
Comment: In summary, the available evidence is currently insufficient to determine the role of this variant in disease. Therefore, it has been classified as a Variant of Uncertain Significance. Algorithms developed to predict the effect of missense changes on protein structure and function are either unavailable or do not agree on the potential impact of this missense change (SIFT: "Tolerated"; PolyPhen-2: "Possibly Damaging"; Align-GVGD: "Class C0"). This variant has not been reported in the literature in individuals affected with FAT2-related conditions. This variant is not present in population databases (gnomAD no frequency). This sequence change replaces lysine, which is basic and polar, with arginine, which is basic and polar, at codon 4164 of the FAT2 protein (p.Lys4164Arg).

NM_001447.3(FAT2):c.12491A>G (p.Lys4164Arg)

Genes: FAT2 (FAT atypical cadherin 2; minus strand), SLC36A1 (solute carrier family 36 member 1; plus strand). Cytogenetic location: 5q33.1.
Variant type: single nucleotide variant.
Coding change: c.12491A>G on transcript NM_001447.3 (MANE Select); coding-DNA position 12491, A replaced by G.
Protein change: p.Lys4164Arg; replaces lysine 4164 with arginine.
Molecular consequence: missense variant.
Genome position (GRCh38, 1-based): chr5:151,507,180, T>C on the plus strand (A>G on the coding strand, the complement: FAT2 is on the minus strand). VCF-style: chr5-151507180-T-C. GRCh37 (hg19) VCF-style: chr5-150886741-T-C.
Other names: short protein forms K4164R.
Identifiers: ClinVar variation 1962925 (VCV001962925.5), dbSNP rs2480862005, ClinGen allele CA361817836.
Genomic context (GRCh38, chr5:151,507,180, plus strand): 5'-ATCCCAGAGGCTAAGCGTCTCTGGCTATACTGACCCATCTCCTCGCTGGACCAGGTTCTC[T>C]TAATGACAGGCTCATTGTCAGAGTGGGAAGGGACCGCAGCTGGCGGGAGTCTGGGGGGCA-3'
Protein context (NP_001438.1, residues 4154-4174): PSHSDNEPVI[Lys4164Arg]RTWSSEEMVY